The following is an entry in ClinVar:

NM_000492.4(CFTR):c.1493T>C (p.Met498Thr)

Genes: CFTR (CF transmembrane conductance regulator; plus strand), CFTR-AS1 (CFTR antisense RNA 1; minus strand). Cytogenetic location: 7q31.2.
Variant type: single nucleotide variant.
Coding change: c.1493T>C on transcript NM_000492.4 (MANE Select); coding-DNA position 1493, T replaced by C.
Protein change: p.Met498Thr; replaces methionine 498 with threonine.
Molecular consequence: missense variant.
Genome position (GRCh38, 1-based): chr7:117,559,564, T>C. VCF-style: chr7-117559564-T-C. GRCh37 (hg19) VCF-style: chr7-117199618-T-C.
Other names: short protein forms M498T.
Identifiers: ClinVar variation 1941560 (VCV001941560.4), dbSNP rs1282142297, ClinGen allele CA368984599.

ClinVar aggregate classification (germline): Uncertain significance. Review status: criteria provided, multiple submitters, no conflicts (2 of 4 stars). 3 submissions from 3 submitters: Uncertain significance (3). Last evaluated 2025-07-17.

Conditions:
Cystic fibrosis (CF). Also called: MUCOVISCIDOSIS. Identifiers: Orphanet 586, MedGen C0010674, MONDO:0009061, OMIM 219700. Disease mechanism: loss of function.

Allele frequency attached by ClinVar (database versions not stated): gnomAD exomes below 0.00001.
gnomAD v4.1: 2 of 1,612,638 alleles (0.00012%); highest among the groups gnomAD compares: Admixed American, 0.0017%; no homozygotes.

Submissions (3):

Quest Diagnostics Nichols Institute San Juan Capistrano
Classification: Uncertain significance. Last evaluated: 2025-07-17. Review status: criteria provided, single submitter. Criteria: Quest Diagnostics criteria. Collection method: clinical testing. Allele origin: unknown.
Comment: The CFTR c.1493T>C (p.Met498Thr) variant has not been reported in individuals with CFTR-related conditions in the published literature. The frequency of this variant in the general population (Genome Aggregation Database) is uninformative in the assessment of its pathogenicity. Analysis of this variant using bioinformatics tools for the prediction of the effect of amino acid changes on protein structure and function yielded predictions that this variant is damaging. Based on the available information, we are unable to determine the clinical significance of this variant.

Ambry Genetics
Classification: Uncertain significance for Cystic fibrosis. Last evaluated: 2023-12-10. Review status: criteria provided, single submitter. Criteria: Ambry Variant Classification Scheme 2023. Collection method: clinical testing. Allele origin: germline.
Comment: The p.M498T variant (also known as c.1493T>C), located in coding exon 11 of the CFTR gene, results from a T to C substitution at nucleotide position 1493. The methionine at codon 498 is replaced by threonine, an amino acid with similar properties. This amino acid position is conserved. In addition, this alteration is predicted to be deleterious by in silico analysis. Since supporting evidence is limited at this time, the clinical significance of this alteration remains unclear.

Labcorp Genetics (formerly Invitae), Labcorp
Classification: Uncertain significance for Cystic fibrosis. Last evaluated: 2021-09-01. Review status: criteria provided, single submitter. Criteria: Invitae Variant Classification Sherloc (09022015). Collection method: clinical testing. Allele origin: germline.
Comment: This sequence change replaces methionine with threonine at codon 498 of the CFTR protein (p.Met498Thr). The methionine residue is highly conserved and there is a moderate physicochemical difference between methionine and threonine. This variant is not present in population databases (ExAC no frequency). This variant has not been reported in the literature in individuals affected with CFTR-related conditions. Algorithms developed to predict the effect of missense changes on protein structure and function are either unavailable or do not agree on the potential impact of this missense change (SIFT: "Deleterious"; PolyPhen-2: "Benign"; Align-GVGD: "Class C25"). In summary, the available evidence is currently insufficient to determine the role of this variant in disease. Therefore, it has been classified as a Variant of Uncertain Significance.